The following is an entry in ClinVar:

ClinVar aggregate classification (germline): Conflicting classifications of pathogenicity. Review status: criteria provided, conflicting classifications (1 of 4 stars). 2 submissions from 2 submitters: Uncertain significance (1); Benign (1). Last evaluated 2019-10-17.

Conditions:
Leigh syndrome (NULS). Also called: Leigh's necrotizing encephalopathy; Leigh's disease; Leigh's syndrome; Subacute necrotizing encephalopathy; Necrotizing encephalopathy infantile subacute of Leigh; Leigh Disease. Identifiers: Orphanet 506, MedGen C2931891, MONDO:0009723, OMIM 256000.

Submissions (2):

Wong Mito Lab, Molecular and Human Genetics, Baylor College of Medicine
Classification: Benign for Leigh syndrome. Last evaluated: 2019-10-17. Review status: criteria provided, single submitter. Criteria: Modified ACMG Guidelines (Unpublished). Collection method: clinical testing. Allele origin: germline.
Comment: The NC_012920.1:m.4135T>C (YP_003024026.1:p.Tyr277His) variant in MTND1 gene is interpretated to be a Benign variant based on the modified ACMG guidelines (unpublished). This variant meets the following evidence codes: BS1, BS4

Stanford Center for Inherited Cardiovascular Disease, Stanford University
Classification: Uncertain significance. Last evaluated: 2015-06-10. Review status: criteria provided, single submitter. Criteria: ACMG Guidelines, 2015. Collection method: provider interpretation. Allele origin: germline.

NC_012920.1(MT-ND1):m.4135T>C

Gene: MT-ND1 (mitochondrially encoded NADH dehydrogenase 1; plus strand).
Variant type: single nucleotide variant.
Genome position: chrM-4135-T-C.
Identifiers: ClinVar variation 235009 (VCV000235009.4), dbSNP rs876661355, ClinGen allele CA10581199.
Genomic context (GRCh38, chrMT:4,135, plus strand): 5'-ACATATTTTGTCACCAAGACCCTACTTCTAACCTCCCTGTTCTTATGAATTCGAACAGCA[T>C]ACCCCCGATTCCGCTACGACCAACTCATACACCTCCTATGAAAAAACTTCCTACCACTCA-3'